The following is an entry in ClinVar:

NM_006978.3(RNF113A):c.195A>G (p.Pro65=)

Gene: RNF113A (ring finger protein 113A; minus strand). Cytogenetic location: Xq24.
Variant type: single nucleotide variant.
Coding change: c.195A>G on transcript NM_006978.3 (MANE Select); coding-DNA position 195, A replaced by G.
Protein change: p.Pro65=; no amino-acid change (proline 65 retained).
Molecular consequence: synonymous variant.
Genome position (GRCh38, 1-based): chrX:119,871,419, T>C on the plus strand (A>G on the coding strand, the complement: RNF113A is on the minus strand). VCF-style: chrX-119871419-T-C. GRCh37 (hg19) VCF-style: chrX-119005382-T-C.
Identifiers: ClinVar variation 4716157 (VCV004716157.1).
Genomic context (GRCh38, chrX:119,871,419, plus strand): 5'-GCTGCTCAAGTCGCCGTAAGCCGCCTTCTGTTTACCACTGTCACGGGTCTTCTGTATCAT[T>C]GGATTGTGGGTCACCCGCTTCTTTTCCGGTCGAACCACAGTGCAGCCTTCGTCGCTACTG-3'
Protein context (NP_008909.1, residues 55-75): RPEKKRVTHN[Pro65=]MIQKTRDSGK

ClinVar aggregate classification (germline): Uncertain significance (1 of 4 stars; one submission).

gnomAD v4.1: 10 of 1,211,943 alleles (0.00083%); highest among the groups gnomAD compares: Non-Finnish European, 0.001%; no homozygotes.

Submission:

Labcorp Genetics (formerly Invitae), Labcorp
Classification: Uncertain significance. Last evaluated: 2025-04-08. Review status: criteria provided, single submitter. Criteria: Invitae Variant Classification Sherloc (09022015). Collection method: clinical testing. Allele origin: germline.
Comment: This sequence change affects codon 65 of the RNF113A mRNA. It is a 'silent' change, meaning that it does not change the encoded amino acid sequence of the RNF113A protein. This variant is not present in population databases (gnomAD no frequency). This variant has not been reported in the literature in individuals affected with RNF113A-related conditions. In summary, the available evidence is currently insufficient to determine the role of this variant in disease. Therefore, it has been classified as a Variant of Uncertain Significance.